The following is an entry in ClinVar:

ClinVar aggregate classification (germline): Pathogenic (1 of 4 stars; one submission).

Conditions:
Primary ciliary dyskinesia. Also called: Ciliary dyskinesia. Identifiers: Orphanet 244, MedGen C0008780, MONDO:0016575, HP:0012265.

Submission:

Labcorp Genetics (formerly Invitae), Labcorp
Classification: Pathogenic for Primary ciliary dyskinesia. Last evaluated: 2025-04-17. Review status: criteria provided, single submitter. Criteria: Invitae Variant Classification Sherloc (09022015). Collection method: clinical testing. Allele origin: germline.
Comment: This sequence change creates a premature translational stop signal (p.Ser590Leufs*6) in the DNAAF2 gene. It is expected to result in an absent or disrupted protein product. Loss-of-function variants in DNAAF2 are known to be pathogenic (PMID: 19052621, 24498942). This variant is not present in population databases (gnomAD no frequency). This variant has not been reported in the literature in individuals affected with DNAAF2-related conditions. Algorithms developed to predict the effect of sequence changes on RNA splicing suggest that this variant may disrupt the consensus splice site. For these reasons, this variant has been classified as Pathogenic.

Literature cited by the submitters: PubMed 19052621; PubMed 24498942.

NM_018139.3(DNAAF2):c.1768del (p.Ser590fs)

Gene: DNAAF2 (dynein axonemal assembly factor 2; minus strand). Cytogenetic location: 14q21.3.
Variant type: Deletion.
Coding change: c.1768del on transcript NM_018139.3 (MANE Select); coding-DNA position 1768, one base deleted (T; older notation c.1768delT).
Protein change: p.Ser590fs; shifts the reading frame from serine 590.
Molecular consequence: frameshift variant. On other transcripts: intron variant (1).
Genome position (GRCh38, 1-based): chr14:49,633,382, A deleted on the plus strand (T on the coding strand, the reverse complement: DNAAF2 is on the minus strand); the first of 3 consecutive A bases (chr14:49,633,382-49,633,384); deleting any one gives the same sequence. VCF-style (leftmost placement, unchanged base first): chr14-49633381-GA-G. GRCh37 (hg19) VCF-style: chr14-50100099-GA-G.
Other names: c.1768del, p.Ser590fs (NM_001083908.2); c.-205+101del (NM_001378453.1); short protein forms S590fs.
Identifiers: ClinVar variation 4759784 (VCV004759784.1).